The following is an entry in ClinVar:

NM_001267550.2(TTN):c.66794C>T (p.Ala22265Val)

Genes: TTN (titin; minus strand), TTN-AS1 (TTN antisense RNA 1; plus strand). Cytogenetic location: 2q31.2.
Variant type: single nucleotide variant.
Coding change: c.66794C>T on transcript NM_001267550.2 (MANE Select); coding-DNA position 66794, C replaced by T.
Protein change: p.Ala22265Val; replaces alanine 22265 with valine.
Molecular consequence: missense variant.
Genome position (GRCh38, 1-based): chr2:178,580,585, G>A on the plus strand (C>T on the coding strand, the complement: TTN is on the minus strand). VCF-style: chr2-178580585-G-A. GRCh37 (hg19) VCF-style: chr2-179445312-G-A.
Other names: c.61871C>T, p.Ala20624Val (NM_001256850.1); c.39599C>T, p.Ala13200Val (NM_003319.4); c.59090C>T, p.Ala19697Val (NM_133378.4); c.39974C>T, p.Ala13325Val (NM_133432.3); c.40175C>T, p.Ala13392Val (NM_133437.4); short protein forms A13325V, A13392V, A19697V, A20624V, A13200V, A22265V.
Identifiers: ClinVar variation 697512 (VCV000697512.18), dbSNP rs750836266, ClinGen allele CA1991428.

ClinVar aggregate classification (germline): Conflicting classifications of pathogenicity. Review status: criteria provided, conflicting classifications (1 of 4 stars). 6 submissions from 6 submitters: Uncertain significance (1); Likely benign (4). 1 of the submissions does not count toward it. Last evaluated 2026-01-12.

Conditions:
Cardiovascular phenotype. Identifiers: MedGen CN230736.
TTN-related disorder. Also called: TTN-related disorders; TTN-related condition; TTN-related disease.
Autosomal recessive limb-girdle muscular dystrophy type 2J (LGMDR10). Also called: MUSCULAR DYSTROPHY, LIMB-GIRDLE, AUTOSOMAL RECESSIVE 10; Limb-girdle muscular dystrophy, type 2J. Identifiers: Orphanet 140922, MedGen C1837342, MONDO:0012127, OMIM 608807.
Dilated cardiomyopathy 1G (CMD1G). Identifiers: Orphanet 154, MedGen C1858763, MONDO:0011400, OMIM 604145.

Allele frequency attached by ClinVar (database versions not stated): gnomAD 0.00001 and 0.00004; TOPMed 0.00001; ExAC 0.00018.
gnomAD v4.1: 130 of 1,610,344 alleles (0.0081%); highest among the groups gnomAD compares: South Asian, 0.13%; 3 homozygotes.

Submissions (6):

Labcorp Genetics (formerly Invitae), Labcorp
Classification: Likely benign for Dilated cardiomyopathy 1G; Autosomal recessive limb-girdle muscular dystrophy type 2J. Last evaluated: 2026-01-12. Review status: criteria provided, single submitter. Criteria: Invitae Variant Classification Sherloc (09022015). Collection method: clinical testing. Allele origin: germline.

Revvity Omics, Revvity
Classification: Uncertain significance. Last evaluated: 2025-01-30. Review status: criteria provided, single submitter. Criteria: ACMG Guidelines, 2015. Collection method: clinical testing. Allele origin: germline.

Women's Health and Genetics/Laboratory Corporation of America, LabCorp
Classification: Likely benign. Last evaluated: 2024-12-13. Review status: criteria provided, single submitter. Criteria: LabCorp Variant Classification Summary - May 2015. Collection method: clinical testing. Allele origin: germline.
Comment: Variant summary: TTN c.59090C>T (p.Ala19697Val) results in a non-conservative amino acid change in the encoded protein sequence. Three of four in-silico tools predict a damaging effect of the variant on protein function. The variant allele was found at a frequency of 0.00018 in 243852 control chromosomes, predominantly at a frequency of 0.0014 within the South Asian subpopulation in the gnomAD database, including 1 homozygote. The observed variant frequency within South Asian control individuals in the gnomAD database is approximately 3.58 fold of the estimated maximal expected allele frequency for a pathogenic variant in TTN causing Dilated Cardiomyopathy phenotype (0.00039). To our knowledge, no occurrence of c.59090C>T in individuals affected with TTN-related conditions and no experimental evidence demonstrating its impact on protein function have been reported. ClinVar contains an entry for this variant (Variation ID: 697512). Based on the evidence outlined above, the variant was classified as likely benign.

Blueprint Genetics
Classification: Likely benign. Last evaluated: 2024-03-08. Review status: criteria provided, single submitter. Criteria: ACMG Guidelines, 2015. Collection method: clinical testing. Allele origin: germline.

Ambry Genetics
Classification: Likely benign for Cardiovascular phenotype. Last evaluated: 2019-10-24. Review status: criteria provided, single submitter. Criteria: Ambry Variant Classification Scheme 2023. Collection method: clinical testing. Allele origin: germline.

PreventionGenetics, part of Exact Sciences
Classification: Likely benign for TTN-related condition. Last evaluated: 2022-11-16. Review status: no assertion criteria provided. Collection method: clinical testing. Allele origin: germline. Not counted in ClinVar's aggregate classification.
Comment: This variant is classified as likely benign based on ACMG/AMP sequence variant interpretation guidelines (Richards et al. 2015 PMID: 25741868, with internal and published modifications).